The following is an entry in ClinVar:

NM_006009.4(TUBA1A):c.420C>A (p.Ser140Arg)

Gene: TUBA1A (tubulin alpha 1a; minus strand). Cytogenetic location: 12q13.12.
Variant type: single nucleotide variant.
Coding change: c.420C>A on transcript NM_006009.4 (MANE Select); coding-DNA position 420, C replaced by A.
Protein change: p.Ser140Arg; replaces serine 140 with arginine.
Molecular consequence: missense variant.
Genome position (GRCh38, 1-based): chr12:49,185,946, G>T on the plus strand (C>A on the coding strand, the complement: TUBA1A is on the minus strand). VCF-style: chr12-49185946-G-T. GRCh37 (hg19) VCF-style: chr12-49579729-G-T.
Other names: c.420C>A, p.Ser140Arg (NM_001270399.2); c.315C>A, p.Ser105Arg (NM_001270400.2); short protein forms S105R, S140R.
Identifiers: ClinVar variation 2744778 (VCV002744778.3), dbSNP rs2498861272, ClinGen allele CA384642704.
Genomic context (GRCh38, chr12:49,185,946, plus strand): 5'-ATCAACTGAGAGACGTTCCATGAGCAGCGAGGTGAACCCAGAACCAGTTCCCCCACCAAA[G>T]CTGTGGAAAACCAAGAAGCCCTGGAGACCCGTGCACTGGTCGGCCTATAACAAAAGAGAG-3'
Protein context (NP_006000.2, residues 130-150): TGLQGFLVFH[Ser140Arg]FGGGTGSGFT

ClinVar aggregate classification (germline): Uncertain significance (1 of 4 stars; one submission).

Submission:

Labcorp Genetics (formerly Invitae), Labcorp
Classification: Uncertain significance. Last evaluated: 2025-07-14. Review status: criteria provided, single submitter. Criteria: Invitae Variant Classification Sherloc (09022015). Collection method: clinical testing. Allele origin: germline.
Comment: This sequence change replaces serine, which is neutral and polar, with arginine, which is basic and polar, at codon 140 of the TUBA1A protein (p.Ser140Arg). This variant is not present in population databases (gnomAD no frequency). This variant has not been reported in the literature in individuals affected with TUBA1A-related conditions. ClinVar contains an entry for this variant (Variation ID: 2744778). Invitae Evidence Modeling of protein sequence and biophysical properties (such as structural, functional, and spatial information, amino acid conservation, physicochemical variation, residue mobility, and thermodynamic stability) indicates that this missense variant is expected to disrupt TUBA1A protein function with a positive predictive value of 80%. In summary, the available evidence is currently insufficient to determine the role of this variant in disease. Therefore, it has been classified as a Variant of Uncertain Significance.